The following is an entry in ClinVar:

ClinVar aggregate classification (germline): Uncertain significance (1 of 4 stars; one submission).

Allele frequency attached by ClinVar (database versions not stated): TOPMed 0.00001.

Submission:

GeneDx
Classification: Uncertain significance. Last evaluated: 2022-07-08. Review status: criteria provided, single submitter. Criteria: GeneDx Variant Classification Process June 2021. Collection method: clinical testing. Allele origin: germline. Affected: yes.
Comment: Not observed at significant frequency in large population cohorts (gnomAD); In silico analysis supports that this missense variant does not alter protein structure/function; Has not been previously published as pathogenic or benign to our knowledge

NM_020738.4(KIDINS220):c.666T>G (p.Ile222Met)

Gene: KIDINS220 (kinase D interacting substrate 220; minus strand). Cytogenetic location: 2p25.1.
Variant type: single nucleotide variant.
Coding change: c.666T>G on transcript NM_020738.4 (MANE Select); coding-DNA position 666, T replaced by G.
Protein change: p.Ile222Met; replaces isoleucine 222 with methionine.
Molecular consequence: missense variant. On other transcripts: non-coding transcript variant (2).
Genome position (GRCh38, 1-based): chr2:8,803,065, A>C on the plus strand (T>G on the coding strand, the complement: KIDINS220 is on the minus strand). VCF-style: chr2-8803065-A-C. GRCh37 (hg19) VCF-style: chr2-8943195-A-C.
Other names: c.669T>G, p.Ile223Met (NM_001348729.2, NM_001348731.2, NM_001348734.2 and 3 more transcripts); c.666T>G, p.Ile222Met (NM_001348732.2, NM_001348735.2, NM_001348738.2 and 3 more transcripts); c.540T>G, p.Ile180Met (NM_001348736.2); short protein forms I222M, I223M, I180M.
Identifiers: ClinVar variation 1810533 (VCV001810533.1), dbSNP rs923450073, ClinGen allele CA42349286.
Genomic context (GRCh38, chr2:8,803,065, plus strand): 5'-AATCATCAAAGCTGTATTTCCATCTTTATCTGTTAAGTTTACATTTGGATTCCTCTTCAA[A>C]ATTTCTTTTACTGACTGTGTGTAACCTCCTTTCACTGCCACAATAAGTGCAGTCATTGAA-3'
Protein context (NP_065789.1, residues 212-232): KGGYTQSVKE[Ile222Met]LKRNPNVNLT